The following is an entry in ClinVar:

ClinVar aggregate classification (germline): Conflicting classifications of pathogenicity. Review status: criteria provided, conflicting classifications (1 of 4 stars). 2 submissions from 2 submitters: Uncertain significance (1); Likely benign (1). Last evaluated 2025-05-17.

Conditions:
Inborn genetic diseases. Identifiers: MedGen C0950123, MeSH D030342.

gnomAD v4.1: 8 of 1,613,976 alleles (0.0005%); highest among the groups gnomAD compares: Admixed American, 0.0067%; no homozygotes.

Submissions (2):

Ambry Genetics
Classification: Likely benign for Inborn genetic diseases. Last evaluated: 2025-05-17. Review status: criteria provided, single submitter. Criteria: Ambry Variant Classification Scheme 2023. Collection method: clinical testing. Allele origin: germline.

Labcorp Genetics (formerly Invitae), Labcorp
Classification: Uncertain significance. Last evaluated: 2025-05-11. Review status: criteria provided, single submitter. Criteria: Invitae Variant Classification Sherloc (09022015). Collection method: clinical testing. Allele origin: germline.
Comment: This sequence change replaces glutamine, which is neutral and polar, with arginine, which is basic and polar, at codon 1201 of the ASXL1 protein (p.Gln1201Arg). This variant is present in population databases (rs778774838, gnomAD 0.006%). This variant has not been reported in the literature in individuals affected with ASXL1-related conditions. An algorithm developed to predict the effect of missense changes on protein structure and function (PolyPhen-2) suggests that this variant is likely to be tolerated. In summary, the available evidence is currently insufficient to determine the role of this variant in disease. Therefore, it has been classified as a Variant of Uncertain Significance.

NM_015338.6(ASXL1):c.3602A>G (p.Gln1201Arg)

Gene: ASXL1 (ASXL transcriptional regulator 1; plus strand). Cytogenetic location: 20q11.21.
Variant type: single nucleotide variant.
Coding change: c.3602A>G on transcript NM_015338.6 (MANE Select); coding-DNA position 3602, A replaced by G.
Protein change: p.Gln1201Arg; replaces glutamine 1201 with arginine.
Molecular consequence: missense variant.
Genome position (GRCh38, 1-based): chr20:32,436,314, A>G. VCF-style: chr20-32436314-A-G. GRCh37 (hg19) VCF-style: chr20-31024117-A-G.
Other names: c.3419A>G, p.Gln1140Arg (NM_001363734.1); short protein forms Q1201R, Q1140R.
Identifiers: ClinVar variation 3956982 (VCV003956982.2).